The following is an entry in ClinVar:

NM_014846.4(WASHC5):c.122G>A (p.Arg41Lys)

Gene: WASHC5 (WASH complex subunit 5; minus strand). Cytogenetic location: 8q24.13.
Variant type: single nucleotide variant.
Coding change: c.122G>A on transcript NM_014846.4 (MANE Select); coding-DNA position 122, G replaced by A.
Protein change: p.Arg41Lys; replaces arginine 41 with lysine.
Molecular consequence: missense variant. On other transcripts: intron variant (1).
Genome position (GRCh38, 1-based): chr8:125,083,777, C>T on the plus strand (G>A on the coding strand, the complement: WASHC5 is on the minus strand). VCF-style: chr8-125083777-C-T. GRCh37 (hg19) VCF-style: chr8-126096019-C-T.
Other names: c.-258-519G>A (NM_001330609.2); short protein forms R41K.
Identifiers: ClinVar variation 1046315 (VCV001046315.6), dbSNP rs200850741, ClinGen allele CA4874207.
Genomic context (GRCh38, chr8:125,083,777, plus strand): 5'-AAATAGCTGAAATCAAATATGATATCTCCATATTTCTGTTGATCAGCTCTGTCTTTTAAC[C>T]TGAACACAGCAGGAATAAACTCAGAGAGTCTCAAAAGTTCAGCAATGATGGCATTACCAC-3'
Protein context (NP_055661.3, residues 31-51): RLSEFIPAVF[Arg41Lys]LKDRADQQKY

ClinVar aggregate classification (germline): Uncertain significance (1 of 4 stars; one submission).

Conditions:
Hereditary spastic paraplegia 8 (SPG8). Also called: SPASTIC PARAPLEGIA 8, AUTOSOMAL DOMINANT. Identifiers: Orphanet 100989, MedGen C1863704, MONDO:0011339, OMIM 603563.
Ritscher-Schinzel syndrome. Also called: CRANIOCEREBELLOCARDIAC DYSPLASIA. Identifiers: Orphanet 7, MedGen C0796137, MONDO:0019078.

Allele frequency attached by ClinVar (database versions not stated): gnomAD 0.00008 and 0.00009; TOPMed 0.00012; gnomAD exomes 0.00007; ESP Exome Variant Server 0.00015; ExAC 0.00012.
gnomAD v4.1: 157 of 1,613,732 alleles (0.0097%); highest among the groups gnomAD compares: Non-Finnish European, 0.012%; no homozygotes.

Submission:

Labcorp Genetics (formerly Invitae), Labcorp
Classification: Uncertain significance for Ritscher-Schinzel syndrome; Hereditary spastic paraplegia 8. Last evaluated: 2023-09-27. Review status: criteria provided, single submitter. Criteria: Invitae Variant Classification Sherloc (09022015). Collection method: clinical testing. Allele origin: germline.
Comment: This sequence change replaces arginine, which is basic and polar, with lysine, which is basic and polar, at codon 41 of the WASHC5 protein (p.Arg41Lys). This variant is present in population databases (rs200850741, gnomAD 0.01%). This variant has not been reported in the literature in individuals affected with WASHC5-related conditions. ClinVar contains an entry for this variant (Variation ID: 1046315). Advanced modeling of protein sequence and biophysical properties (such as structural, functional, and spatial information, amino acid conservation, physicochemical variation, residue mobility, and thermodynamic stability) performed at Invitae indicates that this missense variant is not expected to disrupt WASHC5 protein function. In summary, the available evidence is currently insufficient to determine the role of this variant in disease. Therefore, it has been classified as a Variant of Uncertain Significance.